The following is an entry in ClinVar:

ClinVar aggregate classification (germline): Uncertain significance. Review status: criteria provided, multiple submitters, no conflicts (2 of 4 stars). 4 submissions from 4 submitters: Uncertain significance (4). Last evaluated 2025-01-22.

Conditions:
NEB-related disorder. Also called: NEB-Related Disorders; NEB-related condition.
Nemaline myopathy 2 (NEM2). Also called: Nemaline myopathy 2, autosomal recessive. Identifiers: MedGen C1850569, MONDO:0009725, OMIM 256030.

gnomAD v4.1: 3 of 1,613,842 alleles (0.00019%); highest among the groups gnomAD compares: African/African-American, 0.004%; no homozygotes.

Submissions (4):

PreventionGenetics, part of Exact Sciences
Classification: Uncertain significance for NEB-related condition. Last evaluated: 2025-01-22. Review status: criteria provided, single submitter. Criteria: ACMG Guidelines, 2015. Collection method: clinical testing. Allele origin: germline.
Comment: The NEB c.11756A>G variant is predicted to result in the amino acid substitution p.Asp3919Gly. To our knowledge, this variant has not been reported in the literature or in a large population database, indicating this variant is rare. At this time, the clinical significance of this variant is uncertain due to the absence of conclusive functional and genetic evidence.

Labcorp Genetics (formerly Invitae), Labcorp
Classification: Uncertain significance for Nemaline myopathy 2. Last evaluated: 2022-03-23. Review status: criteria provided, single submitter. Criteria: Invitae Variant Classification Sherloc (09022015). Collection method: clinical testing. Allele origin: germline.
Comment: This sequence change replaces aspartic acid, which is acidic and polar, with glycine, which is neutral and non-polar, at codon 3919 of the NEB protein (p.Asp3919Gly). This variant is not present in population databases (gnomAD no frequency). This variant has not been reported in the literature in individuals affected with NEB-related conditions. ClinVar contains an entry for this variant (Variation ID: 1315417). Algorithms developed to predict the effect of missense changes on protein structure and function are either unavailable or do not agree on the potential impact of this missense change (SIFT: "Deleterious"; PolyPhen-2: "Not Available"; Align-GVGD: "Class C0"). In summary, the available evidence is currently insufficient to determine the role of this variant in disease. Therefore, it has been classified as a Variant of Uncertain Significance.

GeneDx
Classification: Uncertain significance. Last evaluated: 2020-03-20. Review status: criteria provided, single submitter. Criteria: GeneDx Variant Classification Process June 2021. Collection method: clinical testing. Allele origin: germline. Affected: yes.
Comment: Not observed in large population cohorts (Lek et al., 2016); In silico analysis supports that this missense variant has a deleterious effect on protein structure/function; Has not been previously published as pathogenic or benign to our knowledge

Revvity Omics, Revvity
Classification: Uncertain significance. Last evaluated: 2019-07-03. Review status: criteria provided, single submitter. Criteria: ACMG Guidelines, 2015. Collection method: clinical testing. Allele origin: germline.

NM_001164508.2(NEB):c.11756A>G (p.Asp3919Gly)

Gene: NEB (nebulin; minus strand). Cytogenetic location: 2q23.3.
Variant type: single nucleotide variant.
Coding change: c.11756A>G on transcript NM_001164508.2 (MANE Select); coding-DNA position 11756, A replaced by G.
Protein change: p.Asp3919Gly; replaces aspartic acid 3919 with glycine.
Molecular consequence: missense variant.
Genome position (GRCh38, 1-based): chr2:151,612,235, T>C on the plus strand (A>G on the coding strand, the complement: NEB is on the minus strand). VCF-style: chr2-151612235-T-C. GRCh37 (hg19) VCF-style: chr2-152468749-T-C.
Other names: c.11756A>G, p.Asp3919Gly (NM_001164507.2, NM_001271208.2); c.11027A>G, p.Asp3676Gly (NM_004543.5); short protein forms D3676G, D3919G.
Identifiers: ClinVar variation 1315417 (VCV001315417.6), dbSNP rs2098007899, ClinGen allele CA348780045.